The following is an entry in ClinVar:

ClinVar aggregate classification (germline): Uncertain significance (1 of 4 stars; one submission).

Allele frequency attached by ClinVar (database versions not stated): gnomAD exomes 0.00001.
gnomAD v4.1: 7 of 1,614,216 alleles (0.00043%); highest among the groups gnomAD compares: Middle Eastern, 0.12%; no homozygotes.

Submission:

GeneDx
Classification: Uncertain significance. Last evaluated: 2023-09-21. Review status: criteria provided, single submitter. Criteria: GeneDx Variant Classification Process June 2021. Collection method: clinical testing. Allele origin: germline. Affected: yes.
Comment: Not observed at significant frequency in large population cohorts (gnomAD); In silico analysis supports that this missense variant does not alter protein structure/function; Has not been previously published as pathogenic or benign to our knowledge

NM_004817.4(TJP2):c.2036C>G (p.Ala679Gly)

Gene: TJP2 (tight junction protein 2; plus strand). Cytogenetic location: 9q21.11.
Variant type: single nucleotide variant.
Coding change: c.2036C>G on transcript NM_004817.4 (MANE Select); coding-DNA position 2036, C replaced by G.
Protein change: p.Ala679Gly; replaces alanine 679 with glycine.
Molecular consequence: missense variant.
Genome position (GRCh38, 1-based): chr9:69,236,993, C>G. VCF-style: chr9-69236993-C-G. GRCh37 (hg19) VCF-style: chr9-71851909-C-G.
Other names: c.1967C>G, p.Ala656Gly (NM_001170414.2, NM_001369871.1); c.2048C>G, p.Ala683Gly (NM_001170415.1, NM_001369874.1, NM_001369875.1); c.2129C>G, p.Ala710Gly (NM_001170416.2); c.1961C>G, p.Ala654Gly (NM_001369870.1); c.2036C>G, p.Ala679Gly (NM_001369872.1, NM_001369873.1, NM_201629.3); short protein forms A654G, A656G, A679G, A683G, A710G.
Identifiers: ClinVar variation 2580784 (VCV002580784.1), dbSNP rs1741340574, ClinGen allele CA373532828.